The following is an entry in ClinVar:

ClinVar aggregate classification (germline): Uncertain significance (1 of 4 stars; one submission).

Allele frequency attached by ClinVar (database versions not stated): gnomAD exomes below 0.00001.
gnomAD v4.1: 1 of 1,614,014 alleles (0.000062%); highest among the groups gnomAD compares: East Asian, 0.0022%; no homozygotes.

Submission:

GeneDx
Classification: Uncertain significance. Last evaluated: 2020-01-27. Review status: criteria provided, single submitter. Criteria: GeneDx Variant Classification Process June 2021. Collection method: clinical testing. Allele origin: germline. Affected: yes.
Comment: Not observed in large population cohorts (Lek et al., 2016); In silico analysis, which includes protein predictors and evolutionary conservation, supports that this variant does not alter protein structure/function; Has not been previously published as pathogenic or benign to our knowledge

NM_002609.4(PDGFRB):c.2119A>G (p.Lys707Glu)

Gene: PDGFRB (platelet derived growth factor receptor beta; minus strand). Cytogenetic location: 5q32.
Variant type: single nucleotide variant.
Coding change: c.2119A>G on transcript NM_002609.4 (MANE Select); coding-DNA position 2119, A replaced by G.
Protein change: p.Lys707Glu; replaces lysine 707 with glutamic acid.
Molecular consequence: missense variant.
Genome position (GRCh38, 1-based): chr5:150,123,106, T>C on the plus strand (A>G on the coding strand, the complement: PDGFRB is on the minus strand). VCF-style: chr5-150123106-T-C. GRCh37 (hg19) VCF-style: chr5-149502669-T-C.
Other names: c.1927A>G, p.Lys643Glu (NM_001355016.2); c.1636A>G, p.Lys546Glu (NM_001355017.2); short protein forms K546E, K643E, K707E.
Identifiers: ClinVar variation 1314128 (VCV001314128.2), dbSNP rs2113892961, ClinGen allele CA361762914.